The following is an entry in ClinVar:

NM_000368.5(TSC1):c.3443T>C (p.Val1148Ala)

Gene: TSC1 (TSC complex subunit 1; minus strand). Cytogenetic location: 9q34.13.
Variant type: single nucleotide variant.
Coding change: c.3443T>C on transcript NM_000368.5 (MANE Select); coding-DNA position 3443, T replaced by C.
Protein change: p.Val1148Ala; replaces valine 1148 with alanine.
Molecular consequence: missense variant.
Genome position (GRCh38, 1-based): chr9:132,896,287, A>G on the plus strand (T>C on the coding strand, the complement: TSC1 is on the minus strand). VCF-style: chr9-132896287-A-G. GRCh37 (hg19) VCF-style: chr9-135771674-A-G.
Other names: c.3440T>C, p.Val1147Ala (NM_001162426.2, NM_001406597.1, NM_001406598.1 and 2 more transcripts); c.3290T>C, p.Val1097Ala (NM_001162427.2, NM_001406610.1); c.3080T>C, p.Val1027Ala (NM_001362177.2, NM_001406614.1, NM_001406615.1 and 4 more transcripts); c.3443T>C, p.Val1148Ala (NM_001406592.1, NM_001406593.1, NM_001406594.1 and 2 more transcripts); c.3287T>C, p.Val1096Ala (NM_001406611.1, NM_001406612.1); c.3245T>C, p.Val1082Ala (NM_001406613.1); c.2390T>C, p.Val797Ala (NM_001406629.1, NM_001406630.1); c.3428T>C, p.Val1143Ala (NM_001406601.1, NM_001406602.1); and 8 more; short protein forms V1026A, V1027A, V1082A, V1147A, V1013A, V1097A, V1134A, V1143A.
Identifiers: ClinVar variation 1731487 (VCV001731487.6), dbSNP rs2131587093, ClinGen allele CA375366367.
Genomic context (GRCh38, chr9:132,896,287, plus strand): 5'-ATCATTCCTTAGCTGTGTTCATGATGAGTCTCATTGTAGTCCATGATATGTAGCTGTCCA[A>G]CACTGTCCGGGGTCGGGGGAGACGGGTGAGGGCCATCTAGGTTCAGGGGAATCTTGGCTT-3'
Protein context (NP_000359.1, residues 1138-1158): PHPSPPTPDS[Val1148Ala]GQLHIMDYNE

ClinVar aggregate classification (germline): Uncertain significance. Review status: criteria provided, multiple submitters, no conflicts (2 of 4 stars). 3 submissions from 3 submitters: Uncertain significance (3). Last evaluated 2024-09-12.

Conditions:
Tuberous sclerosis 1 (TSC1). Identifiers: Orphanet 805, MedGen C1854465, MONDO:0008612, OMIM 191100.
Tuberous sclerosis syndrome (TSC). Also called: Tuberous Sclerosis Complex; Tuberous sclerosis. Identifiers: Orphanet 805, MedGen C0041341, MONDO:0001734.
Hereditary cancer-predisposing syndrome. Also called: Neoplastic Syndromes, Hereditary; Tumor predisposition; Hereditary Cancer Syndrome; Hereditary neoplastic syndrome. Identifiers: Orphanet 140162, MedGen C0027672, MeSH D009386, MONDO:0015356.

Allele frequency attached by ClinVar (database versions not stated): gnomAD exomes below 0.00001.
gnomAD v4.1: 1 of 1,614,162 alleles (0.000062%); highest among the groups gnomAD compares: Non-Finnish European, 0.000085%; no homozygotes.

Submissions (3):

Ambry Genetics
Classification: Uncertain significance for Hereditary cancer-predisposing syndrome. Last evaluated: 2024-09-12. Review status: criteria provided, single submitter. Criteria: Ambry Variant Classification Scheme 2023. Collection method: clinical testing. Allele origin: germline.
Comment: The p.V1148A variant (also known as c.3443T>C), located in coding exon 21 of the TSC1 gene, results from a T to C substitution at nucleotide position 3443. The valine at codon 1148 is replaced by alanine, an amino acid with similar properties. This amino acid position is well conserved in available vertebrate species. In addition, the in silico prediction for this alteration is inconclusive. Since supporting evidence is limited at this time, the clinical significance of this alteration remains unclear.

All of Us Research Program, National Institutes of Health
Classification: Uncertain significance for Tuberous sclerosis syndrome. Last evaluated: 2024-04-25. Review status: criteria provided, single submitter. Criteria: ACMG Guidelines, 2015. Collection method: clinical testing. Allele origin: germline. Inheritance: Autosomal dominant inheritance. Observed: 1 variant allele, 1 heterozygote.
Comment: This missense variant replaces valine with alanine at codon 1148 of the TSC1 protein. Computational prediction suggests that this variant may not impact protein structure and function (internally defined REVEL score threshold <= 0.5, PMID: 27666373). To our knowledge, functional studies have not been reported for this variant. This variant has not been reported in individuals affected with TSC1-related disorders in the literature. This variant has not been identified in the general population by the Genome Aggregation Database (gnomAD). The available evidence is insufficient to determine the role of this variant in disease conclusively. Therefore, this variant is classified as a Variant of Uncertain Significance.

This study involves interpretation of variants in research participants for the purpose of population health screening. Participant phenotype was not available at the time of variant classification. Additional details can be found in publication PMID: 35346344, PMCID: PMC8962531

Labcorp Genetics (formerly Invitae), Labcorp
Classification: Uncertain significance for Tuberous sclerosis 1. Last evaluated: 2024-03-05. Review status: criteria provided, single submitter. Criteria: Invitae Variant Classification Sherloc (09022015). Collection method: clinical testing. Allele origin: germline.
Comment: This sequence change replaces valine, which is neutral and non-polar, with alanine, which is neutral and non-polar, at codon 1148 of the TSC1 protein (p.Val1148Ala). This variant is not present in population databases (gnomAD no frequency). This variant has not been reported in the literature in individuals affected with TSC1-related conditions. ClinVar contains an entry for this variant (Variation ID: 1731487). Advanced modeling of protein sequence and biophysical properties (such as structural, functional, and spatial information, amino acid conservation, physicochemical variation, residue mobility, and thermodynamic stability) performed at Invitae indicates that this missense variant is not expected to disrupt TSC1 protein function with a negative predictive value of 95%. In summary, the available evidence is currently insufficient to determine the role of this variant in disease. Therefore, it has been classified as a Variant of Uncertain Significance.